The following is an entry in ClinVar:

ClinVar aggregate classification (germline): Uncertain significance (1 of 4 stars; one submission).

gnomAD v4.1: 3 of 1,613,628 alleles (0.00019%); highest among the groups gnomAD compares: African/African-American, 0.0027%; no homozygotes.

Submission:

Labcorp Genetics (formerly Invitae), Labcorp
Classification: Uncertain significance. Last evaluated: 2024-11-02. Review status: criteria provided, single submitter. Criteria: Invitae Variant Classification Sherloc (09022015). Collection method: clinical testing. Allele origin: germline.
Comment: This sequence change replaces isoleucine, which is neutral and non-polar, with valine, which is neutral and non-polar, at codon 725 of the RP1 protein (p.Ile725Val). This variant is not present in population databases (gnomAD no frequency). This variant has not been reported in the literature in individuals affected with RP1-related conditions. An algorithm developed to predict the effect of missense changes on protein structure and function outputs the following: PolyPhen-2: "Benign". The valine amino acid residue is found in multiple mammalian species, which suggests that this missense change does not adversely affect protein function. In summary, the available evidence is currently insufficient to determine the role of this variant in disease. Therefore, it has been classified as a Variant of Uncertain Significance.

NM_006269.2(RP1):c.2173A>G (p.Ile725Val)

Gene: RP1 (RP1 axonemal microtubule associated; plus strand). Cytogenetic location: 8q12.1.
Variant type: single nucleotide variant.
Coding change: c.2173A>G on transcript NM_006269.2 (MANE Select); coding-DNA position 2173, A replaced by G.
Protein change: p.Ile725Val; replaces isoleucine 725 with valine.
Molecular consequence: missense variant. On other transcripts: intron variant (1).
Genome position (GRCh38, 1-based): chr8:54,626,055, A>G. VCF-style: chr8-54626055-A-G. GRCh37 (hg19) VCF-style: chr8-55538615-A-G.
Other names: c.787+3767A>G (NM_001375654.1); short protein forms I725V.
Identifiers: ClinVar variation 3663122 (VCV003663122.2).